The following is an entry in ClinVar:

ClinVar aggregate classification (germline): Uncertain significance (1 of 4 stars; one submission).

Conditions:
LAMA2-related muscular dystrophy (LAMA2-RD). Also called: Laminin alpha 2-related dystrophy. Identifiers: MedGen C5679788, MONDO:0100228.

Submission:

Labcorp Genetics (formerly Invitae), Labcorp
Classification: Uncertain significance for LAMA2-related muscular dystrophy. Last evaluated: 2021-03-13. Review status: criteria provided, single submitter. Criteria: Invitae Variant Classification Sherloc (09022015). Collection method: clinical testing. Allele origin: germline.
Comment: This variant has not been reported in the literature in individuals with LAMA2-related conditions. Advanced modeling of protein sequence and biophysical properties (such as structural, functional, and spatial information, amino acid conservation, physicochemical variation, residue mobility, and thermodynamic stability) performed at Invitae indicates that this missense variant is not expected to disrupt LAMA2 protein function. In summary, the available evidence is currently insufficient to determine the role of this variant in disease. Therefore, it has been classified as a Variant of Uncertain Significance. This sequence change replaces threonine with asparagine at codon 1579 of the LAMA2 protein (p.Thr1579Asn). The threonine residue is moderately conserved and there is a small physicochemical difference between threonine and asparagine. This variant is not present in population databases (ExAC no frequency).

NM_000426.4(LAMA2):c.4736C>A (p.Thr1579Asn)

Gene: LAMA2 (laminin subunit alpha 2; plus strand). Cytogenetic location: 6q22.33.
Variant type: single nucleotide variant.
Coding change: c.4736C>A on transcript NM_000426.4 (MANE Select); coding-DNA position 4736, C replaced by A.
Protein change: p.Thr1579Asn; replaces threonine 1579 with asparagine.
Molecular consequence: missense variant.
Genome position (GRCh38, 1-based): chr6:129,366,237, C>A. VCF-style: chr6-129366237-C-A. GRCh37 (hg19) VCF-style: chr6-129687382-C-A.
Other names: c.4736C>A, p.Thr1579Asn (NM_001079823.2); short protein forms T1579N.
Identifiers: ClinVar variation 1516506 (VCV001516506.8), dbSNP rs2114619839, ClinGen allele CA365622577.